The following is an entry in ClinVar:

NM_003482.4(KMT2D):c.13671+7C>G

Gene: KMT2D (lysine methyltransferase 2D; minus strand). Cytogenetic location: 12q13.12.
Variant type: single nucleotide variant.
Coding change: c.13671+7C>G on transcript NM_003482.4 (MANE Select); 7 bases into the intron after coding-DNA position 13671, C replaced by G.
Molecular consequence: intron variant.
Genome position (GRCh38, 1-based): chr12:49,030,886, G>C on the plus strand (C>G on the coding strand, the complement: KMT2D is on the minus strand). VCF-style: chr12-49030886-G-C. GRCh37 (hg19) VCF-style: chr12-49424669-G-C.
Identifiers: ClinVar variation 4997283 (VCV004997283.1).

ClinVar aggregate classification (germline): Likely benign (1 of 4 stars; one submission).

Conditions:
KMT2D-related disorder. Also called: KMT2D-Related Disorders.

Submission:

PreventionGenetics, part of Exact Sciences
Classification: Likely benign for KMT2D-related condition. Last evaluated: 2025-05-08. Review status: criteria provided, single submitter. Criteria: ACMG Guidelines, 2015. Collection method: clinical testing. Allele origin: germline.
Comment: This variant is classified as likely benign based on ACMG/AMP sequence variant interpretation guidelines (Richards et al. 2015 PMID: 25741868, with internal and published modifications).